The following is an entry in ClinVar:

NM_000458.4(HNF1B):c.466A>G (p.Lys156Glu)

Gene: HNF1B (HNF1 homeobox B; minus strand). Cytogenetic location: 17q12.
Variant type: single nucleotide variant.
Coding change: c.466A>G on transcript NM_000458.4 (MANE Select); coding-DNA position 466, A replaced by G.
Protein change: p.Lys156Glu; replaces lysine 156 with glutamic acid.
Molecular consequence: missense variant.
Genome position (GRCh38, 1-based): chr17:37,739,518, T>C on the plus strand (A>G on the coding strand, the complement: HNF1B is on the minus strand). VCF-style: chr17-37739518-T-C. GRCh37 (hg19) VCF-style: chr17-36099509-T-C.
Other names: c.466A>G, p.Lys156Glu (NM_001165923.4, NM_001304286.2); short protein forms K156E.
Identifiers: ClinVar variation 635693 (VCV000635693.1), dbSNP rs2511828996, ClinGen allele CA398751347.

ClinVar aggregate classification (germline): Pathogenic (1 of 4 stars; one submission).

Conditions:
Renal cysts and diabetes syndrome (RCAD). Also called: Familial hypoplastic, glomerulocystic kidney; MATURITY-ONSET DIABETES OF THE YOUNG, TYPE 5. Identifiers: Orphanet 93111, MedGen C0431693, MONDO:0007669, OMIM 137920.

Submission:

Institute of Human Genetics, FAU Erlangen, Friedrich-Alexander-Universität Erlangen-Nürnberg
Classification: Pathogenic for Renal cysts and diabetes syndrome. Last evaluated: 2019-07-06. Review status: criteria provided, single submitter. Criteria: ACMG Guidelines, 2015. Collection method: literature only. Allele origin: germline. Affected: yes.
Comment: This variant and it's classification has been reported by Vasileiou et al. 2019; DOI:10.1101/576918. The variants has previously been reported in PMID:19389850; PMID:25700310; PMID:15930087; PMID:25536396 as "c.466A>G,p.Lys156Glu; c.466A>G, c.660A>G; c.466A>G" with clinical significance Pathogenic. It has been re-classified using InterVar and manual curation as Pathogenic based on PS4 PM1 PM2 PP3 PP5.

Literature cited by the submitters: PubMed 19389850; PubMed 25700310; PubMed 15930087; PubMed 25536396; DOI 10.1101/576918.